The following is an entry in ClinVar:

NM_002518.4(NPAS2):c.161G>C (p.Gly54Ala)

Gene: NPAS2 (neuronal PAS domain protein 2; plus strand). Cytogenetic location: 2q11.2.
Variant type: single nucleotide variant.
Coding change: c.161G>C on transcript NM_002518.4 (MANE Select); coding-DNA position 161, G replaced by C.
Protein change: p.Gly54Ala; replaces glycine 54 with alanine.
Molecular consequence: missense variant.
Genome position (GRCh38, 1-based): chr2:100,925,274, G>C. VCF-style: chr2-100925274-G-C. GRCh37 (hg19) VCF-style: chr2-101541736-G-C.
Other names: short protein forms G54A.
Identifiers: ClinVar variation 3040720 (VCV003040720.2), dbSNP rs138995271, ClinGen allele CA1803376.
Genomic context (GRCh38, chr2:100,925,274, plus strand): 5'-CCATGCTCCCTGGCAACACGCGGAAAATGGACAAAACCACCGTGTTGGAAAAGGTCATCG[G>C]ATTTTTGCAGAAACACAATGGTAAAGGTCACCCTTCTCTCTGTTTTTTTTCCACCCTGCC-3'
Protein context (NP_002509.2, residues 44-64): DKTTVLEKVI[Gly54Ala]FLQKHNEVSA

ClinVar aggregate classification (germline): Benign (0 of 4 stars; one submission).

Conditions:
NPAS2-related disorder. Also called: NPAS2-related condition.

Allele frequency attached by ClinVar (database versions not stated): 1000 Genomes Project 30x 0.00016; 1000 Genomes Project 0.00020; ESP Exome Variant Server 0.00077; gnomAD exomes 0.00096; ExAC 0.00121.
gnomAD v4.1: 1,593 of 1,614,076 alleles (0.099%); highest among the groups gnomAD compares: Non-Finnish European, 0.081%; 5 homozygotes.

Submission:

PreventionGenetics, part of Exact Sciences
Classification: Benign for NPAS2-related condition. Last evaluated: 2020-03-16. Review status: no assertion criteria provided. Collection method: clinical testing. Allele origin: germline.
Comment: This variant is classified as benign based on ACMG/AMP sequence variant interpretation guidelines (Richards et al. 2015 PMID: 25741868, with internal and published modifications).